The following is an entry in ClinVar:

NR_023343.3(RNU4ATAC):n.118T>A

Genes: CLASP1 (cytoplasmic linker associated protein 1; minus strand), CLASP1-AS1 (CLASP1 antisense RNA 1; plus strand), RNU4ATAC (RNA, U4atac small nuclear; plus strand). Cytogenetic location: 2q14.2.
Variant type: single nucleotide variant.
Molecular consequence: non-coding transcript variant (on NR_023343.3). On other transcripts: intron variant (8).
Genome position: GRCh38 VCF-style: chr2-121530997-T-A. GRCh37 (hg19) VCF-style: chr2-122288573-T-A.
Other names: c.196-672A>T (NM_001142274.2, NM_015282.3, NM_001378003.1 and 5 more transcripts).
Identifiers: ClinVar variation 4768311 (VCV004768311.1).

ClinVar aggregate classification (germline): Uncertain significance (1 of 4 stars; one submission).

Submission:

Labcorp Genetics (formerly Invitae), Labcorp
Classification: Uncertain significance. Last evaluated: 2025-10-28. Review status: criteria provided, single submitter. Criteria: Invitae Variant Classification Sherloc (09022015). Collection method: clinical testing. Allele origin: germline.
Comment: This variant occurs in the RNU4ATAC gene, which encodes an RNA molecule that does not result in a protein product. This variant is not present in population databases (gnomAD no frequency). This variant has not been reported in the literature in individuals affected with RNU4ATAC-related conditions. This variant disrupts the n.118T nucleotide in the RNU4ATAC gene. Other variant(s) that disrupt this nucleotide have been determined to be pathogenic (PMID: 26522830; internal data). This suggests that this nucleotide is clinically significant, and that variants that disrupt this position are likely to be disease-causing. In summary, the available evidence is currently insufficient to determine the role of this variant in disease. Therefore, it has been classified as a Variant of Uncertain Significance.

Literature cited by the submitters: PubMed 26522830.